The following is an entry in ClinVar:

ClinVar aggregate classification (germline): Uncertain significance. Review status: criteria provided, multiple submitters, no conflicts (2 of 4 stars). 2 submissions from 2 submitters: Uncertain significance (2). Last evaluated 2024-11-06.

Conditions:
Retinitis pigmentosa 45 (RP45). Identifiers: Orphanet 791, MedGen C3151066, MONDO:0013413, OMIM 613767.
CNGB1-related disorder. Also called: CNGB1-related condition.

Allele frequency attached by ClinVar (database versions not stated): gnomAD 0.00002; gnomAD exomes 0.00002; ExAC 0.00005; 1000 Genomes Project 0.00020; 1000 Genomes Project 30x 0.00031.

Submissions (2):

PreventionGenetics, part of Exact Sciences
Classification: Uncertain significance for CNGB1-related condition. Last evaluated: 2024-11-06. Review status: criteria provided, single submitter. Criteria: ACMG Guidelines, 2015. Collection method: clinical testing. Allele origin: germline.
Comment: The CNGB1 c.2885T>G variant is predicted to result in the amino acid substitution p.Leu962Arg. To our knowledge, this variant has not been reported in the literature. This variant is reported in 0.033% of alleles in individuals of South Asian descent in gnomAD. At this time, the clinical significance of this variant is uncertain due to the absence of conclusive functional and genetic evidence.

Diagnostics Services (NGS), CSIR - Centre For Cellular And Molecular Biology
Classification: Uncertain significance for Retinitis pigmentosa 45. Last evaluated: 2022-06-30. Review status: criteria provided, single submitter. Criteria: ACMG Guidelines, 2015. Collection method: clinical testing. Allele origin: germline. Affected: yes. Observed: 1 variant allele, 1 homozygote.
Comment: The c.2885T>G variant is not present in publicly available population databases like Exome Variant Server (EVS). The variant is present in 1000 Genomes, Exome Aggregation Consortium (ExAC), Genome Aggregation Database (gnomAD) and Indian Exome Database, at a low frequency. The variant is not present in our in-house exome database. The variant was not reported to ClinVar, Human Genome Mutation Database (HGMD) and/or OMIM databases, in any affected individuals. In-silico pathogenicity prediction programs like SIFT, PolyPhen-2, MutationTaster2, CADD etc. predicted this variant to be likely deleterious, however these predictions were not confirmed by any published functional studies.

NM_001297.5(CNGB1):c.2885T>G (p.Leu962Arg)

Gene: CNGB1 (cyclic nucleotide gated channel subunit beta 1; minus strand). Cytogenetic location: 16q21.
Variant type: single nucleotide variant.
Coding change: c.2885T>G on transcript NM_001297.5 (MANE Select); coding-DNA position 2885, T replaced by G.
Protein change: p.Leu962Arg; replaces leucine 962 with arginine.
Molecular consequence: missense variant.
Genome position (GRCh38, 1-based): chr16:57,901,535, A>C on the plus strand (T>G on the coding strand, the complement: CNGB1 is on the minus strand). VCF-style: chr16-57901535-A-C. GRCh37 (hg19) VCF-style: chr16-57935439-A-C.
Other names: c.2885T>G (NM_001297.4); c.2867T>G, p.Leu956Arg (NM_001286130.2); short protein forms L956R, L962R.
Identifiers: ClinVar variation 1802203 (VCV001802203.4), dbSNP rs566379320, ClinGen allele CA8082789.